The following is an entry in ClinVar:

NM_001278116.2(L1CAM):c.170G>A (p.Cys57Tyr)

Gene: L1CAM (L1 cell adhesion molecule; minus strand). Cytogenetic location: Xq28.
Variant type: single nucleotide variant.
Coding change: c.170G>A on transcript NM_001278116.2 (MANE Select); coding-DNA position 170, G replaced by A.
Protein change: p.Cys57Tyr; replaces cysteine 57 with tyrosine.
Molecular consequence: missense variant.
Genome position (GRCh38, 1-based): chrX:153,872,619, C>T on the plus strand (G>A on the coding strand, the complement: L1CAM is on the minus strand). VCF-style: chrX-153872619-C-T. GRCh37 (hg19) VCF-style: chrX-153138074-C-T.
Other names: c.170G>A, p.Cys57Tyr (NM_000425.5, NM_024003.3); c.155G>A, p.Cys52Tyr (NM_001143963.2); short protein forms C57Y, C52Y.
Identifiers: ClinVar variation 372400 (VCV000372400.2), dbSNP rs1057517755, ClinGen allele CA16043181.

ClinVar aggregate classification (germline): Uncertain significance (1 of 4 stars; one submission).

Submission:

GeneDx
Classification: Uncertain significance. Last evaluated: 2016-11-21. Review status: criteria provided, single submitter. Criteria: GeneDx Variant Classification (06012015). Collection method: clinical testing. Allele origin: germline. Affected: yes.
Comment: The C57Y variant has not been published as a pathogenic variant, nor has it been reported as a benign polymorphism to our knowledge. It has not been observed in approximately 6,500 individuals of European and African American ancestry in the NHLBI Exome Sequencing Project, indicating it is not a common benign variant in these populations. The C57Y variant is a non-conservative amino acid substitution, which is likely to impact secondary protein structure as these residues differ in polarity, charge, size and/or other properties. This substitution occurs at a position that is conserved across species and in silico analysis predicts it is probably damaging to the protein structure/function. Therefore, based on the currently available information, it is unclear whether this variant is a pathogenic variant or a rare benign variant.